The following is an entry in ClinVar:

NM_003179.3(SYP):c.5T>A (p.Leu2Gln)

Genes: SYP (synaptophysin; minus strand), SYP-AS1 (SYP antisense RNA 1; plus strand), LOC130068281 (ATAC-STARR-seq lymphoblastoid silent region 20843; plus strand). Cytogenetic location: Xp11.23.
Variant type: single nucleotide variant.
Coding change: c.5T>A on transcript NM_003179.3 (MANE Select); coding-DNA position 5, T replaced by A.
Protein change: p.Leu2Gln; replaces leucine 2 with glutamine.
Molecular consequence: missense variant.
Genome position (GRCh38, 1-based): chrX:49,200,182, A>T on the plus strand (T>A on the coding strand, the complement: SYP is on the minus strand). VCF-style: chrX-49200182-A-T. GRCh37 (hg19) VCF-style: chrX-49056641-A-T.
Other names: short protein forms L2Q.
Identifiers: ClinVar variation 212359 (VCV000212359.35), dbSNP rs200470034, ClinGen allele CA208320.

ClinVar aggregate classification (germline): Conflicting classifications of pathogenicity. Review status: criteria provided, conflicting classifications (1 of 4 stars). 3 submissions from 3 submitters: Uncertain significance (1); Likely benign (2). Last evaluated 2026-09-01.

Allele frequency attached by ClinVar (database versions not stated): gnomAD 0.00012 and 0.00014; TOPMed 0.00019.
gnomAD v4.1: 213 of 1,163,881 alleles (0.018%); highest among the groups gnomAD compares: Non-Finnish European, 0.023%; no homozygotes.

Submissions (3):

CeGaT Center for Human Genetics Tuebingen
Classification: Likely benign. Last evaluated: 2026-09-01. Review status: criteria provided, single submitter. Criteria: CeGaT Center For Human Genetics Tuebingen Variant Classification Criteria Version 2. Collection method: clinical testing. Allele origin: germline. Affected: yes. Observed: 6 variant alleles.
Comment: SYP: BS2

Women's Health and Genetics/Laboratory Corporation of America, LabCorp
Classification: Likely benign. Last evaluated: 2026-03-17. Review status: criteria provided, single submitter. Criteria: LabCorp Variant Classification Summary - May 2015. Collection method: clinical testing. Allele origin: germline.
Comment: Variant summary: SYP c.5T>A (p.Leu2Gln) results in a non-conservative amino acid change in the encoded protein sequence. Algorithms developed to predict the effect of missense changes on protein structure and function are either unavailable or do not agree on the potential impact of this missense change. The variant allele was found at a frequency of 0.00013 in 103834 control chromosomes in gnomAD v2.1, and in gnomad v4.1 is found in many hemizygous controls, suggesting the variant is a benign polymorphism. This frequency is not significantly higher than estimated for disease-causing variants in SYP, allowing no conclusion about variant significance. To our knowledge, no occurrence of c.5T>A in individuals affected with SYP-related conditions and no experimental evidence demonstrating its impact on protein function have been reported. ClinVar contains an entry for this variant (Variation ID: 212359). Based on the evidence outlined above, the variant was classified as likely benign.

Genetic Services Laboratory, University of Chicago
Classification: Uncertain significance. Last evaluated: 2014-06-06. Review status: criteria provided, single submitter. Criteria: ACMG Guidelines, 2015. Collection method: clinical testing. Allele origin: germline.